The following is an entry in ClinVar:

ClinVar aggregate classification (germline): Conflicting classifications of pathogenicity. Review status: criteria provided, conflicting classifications (1 of 4 stars). 2 submissions from 2 submitters: Uncertain significance (1); Likely benign (1). Last evaluated 2024-09-28.

Conditions:
Inborn genetic diseases. Identifiers: MedGen C0950123, MeSH D030342.
Dyskeratosis congenita, autosomal dominant 6 (DKCA6). Identifiers: Orphanet 3322, MedGen C4225284, MONDO:0014690, OMIM 616553.

Allele frequency attached by ClinVar (database versions not stated): gnomAD exomes below 0.00001; TOPMed 0.00001; gnomAD 0.00001 and 0.00002; ExAC 0.00001.

Submissions (2):

Labcorp Genetics (formerly Invitae), Labcorp
Classification: Uncertain significance for Dyskeratosis congenita, autosomal dominant 6. Last evaluated: 2024-09-28. Review status: criteria provided, single submitter. Criteria: Invitae Variant Classification Sherloc (09022015). Collection method: clinical testing. Allele origin: germline.
Comment: This sequence change replaces glycine, which is neutral and non-polar, with arginine, which is basic and polar, at codon 15 of the ACD protein (p.Gly15Arg). This variant is present in population databases (rs752006255, gnomAD 0.002%). This variant has not been reported in the literature in individuals affected with ACD-related conditions. ClinVar contains an entry for this variant (Variation ID: 1398829). An algorithm developed to predict the effect of missense changes on protein structure and function outputs the following: PolyPhen-2: "Probably Damaging". The arginine amino acid residue is found in multiple mammalian species, which suggests that this missense change does not adversely affect protein function. In summary, the available evidence is currently insufficient to determine the role of this variant in disease. Therefore, it has been classified as a Variant of Uncertain Significance.

Ambry Genetics
Classification: Likely benign for Inborn genetic diseases. Last evaluated: 2022-09-01. Review status: criteria provided, single submitter. Criteria: Ambry Variant Classification Scheme 2023. Collection method: clinical testing. Allele origin: germline.

NC_000016.10:g.67660436C>T

Genes: ACD (ACD shelterin complex subunit and telomerase recruitment factor; minus strand), LOC130059224 (ATAC-STARR-seq lymphoblastoid silent region 7617; plus strand). Cytogenetic location: 16q22.1.
Variant type: single nucleotide variant.
Genome position: GRCh38 VCF-style: chr16-67660436-C-T. GRCh37 (hg19) VCF-style: chr16-67694339-C-T.
Other names: short protein forms G15R.
Identifiers: ClinVar variation 1398829 (VCV001398829.7), dbSNP rs752006255, ClinGen allele CA8114946.